The following is an entry in ClinVar:

NM_013450.4(BAZ2B):c.1893C>G (p.Ser631Arg)

Gene: BAZ2B (bromodomain adjacent to zinc finger domain 2B; minus strand). Cytogenetic location: 2q24.2.
Variant type: single nucleotide variant.
Coding change: c.1893C>G on transcript NM_013450.4 (MANE Select); coding-DNA position 1893, C replaced by G.
Protein change: p.Ser631Arg; replaces serine 631 with arginine.
Molecular consequence: missense variant.
Genome position (GRCh38, 1-based): chr2:159,432,764, G>C on the plus strand (C>G on the coding strand, the complement: BAZ2B is on the minus strand). VCF-style: chr2-159432764-G-C. GRCh37 (hg19) VCF-style: chr2-160289275-G-C.
Other names: c.1887C>G, p.Ser629Arg (NM_001289975.1); c.1704C>G, p.Ser568Arg (NM_001329857.2); c.1893C>G, p.Ser631Arg (NM_001329858.2); short protein forms S568R, S629R, S631R.
Identifiers: ClinVar variation 3903356 (VCV003903356.1).

ClinVar aggregate classification (germline): Uncertain significance (1 of 4 stars; one submission).

Submission:

GeneDx
Classification: Uncertain significance. Last evaluated: 2024-12-06. Review status: criteria provided, single submitter. Criteria: GeneDx Variant Classification Process June 2021. Collection method: clinical testing. Allele origin: germline. Affected: yes.
Comment: Not observed at significant frequency in large population cohorts (gnomAD); In silico analysis indicates that this missense variant does not alter protein structure/function; Has not been previously published as pathogenic or benign to our knowledge